The following is an entry in ClinVar:

NM_007198.4(PLPBP):c.644del (p.Pro215fs)

Gene: PLPBP (pyridoxal phosphate binding protein; plus strand). Cytogenetic location: 8p11.23.
Variant type: Deletion.
Coding change: c.644del on transcript NM_007198.4 (MANE Select); coding-DNA position 644, one base deleted (C; older notation c.644delC).
Protein change: p.Pro215fs; shifts the reading frame from proline 215.
Molecular consequence: frameshift variant.
Genome position (GRCh38, 1-based): chr8:37,775,964, C deleted; the last of 3 consecutive C bases (chr8:37,775,962-37,775,964); deleting any one gives the same sequence. VCF-style (leftmost placement, unchanged base first): chr8-37775961-TC-T. GRCh37 (hg19) VCF-style: chr8-37633479-TC-T.
Other names: c.674del, p.Pro225fs (NM_001349346.2); c.638del, p.Pro213fs (NM_001349347.2); c.488del, p.Pro163fs (NM_001349348.2); short protein forms P163fs, P213fs, P215fs, P225fs.
Identifiers: ClinVar variation 4890777 (VCV004890777.1).

ClinVar aggregate classification (germline): Likely pathogenic (1 of 4 stars; one submission).

Conditions:
Epilepsy, early-onset, vitamin B6-dependent. Also called: PLPBP Deficiency; EPILEPSY, EARLY-ONSET, 1, VITAMIN B6-DEPENDENT. Identifiers: MedGen C4310632, MONDO:0015005, OMIM 617290.

Submission:

Solve-RD Consortium
Classification: Likely pathogenic for Epilepsy, early-onset, vitamin B6-dependent. Review status: criteria provided, single submitter. Criteria: ACMG Guidelines, 2015. Collection method: provider interpretation. Allele origin: germline. Inheritance: Autosomal recessive inheritance. Affected: yes. Study: Solve-RD DIFT-EpiCARE reanalysis.
Comment: PP4, PVS1, PM2

Variant identified during reanalysis of unsolved cases by the Solve-RD project. The Solve-RD project has received funding from the European Union’s Horizon 2020 research and innovation programme under grant agreement No 779257.